The following is an entry in ClinVar:

NM_014967.5(FAN1):c.2155T>G (p.Leu719Val)

Genes: FAN1 (FANCD2 and FANCI associated nuclease 1; plus strand), MTMR10 (myotubularin related protein 10; minus strand). Cytogenetic location: 15q13.3.
Variant type: single nucleotide variant.
Coding change: c.2155T>G on transcript NM_014967.5 (MANE Select); coding-DNA position 2155, T replaced by G.
Protein change: p.Leu719Val; replaces leucine 719 with valine.
Molecular consequence: missense variant.
Genome position (GRCh38, 1-based): chr15:30,922,337, T>G. VCF-style: chr15-30922337-T-G. GRCh37 (hg19) VCF-style: chr15-31214540-T-G.
Other names: short protein forms L719V.
Identifiers: ClinVar variation 2634779 (VCV002634779.1), dbSNP rs971720527, ClinGen allele CA267472221.

ClinVar aggregate classification (germline): Uncertain significance (1 of 4 stars; one submission).

Conditions:
FAN1-related disorder. Also called: FAN1-related condition.

Allele frequency attached by ClinVar (database versions not stated): gnomAD 0.00001; TOPMed 0.00001.
gnomAD v4.1: 21 of 1,612,686 alleles (0.0013%); highest among the groups gnomAD compares: Non-Finnish European, 0.0017%; no homozygotes.

Submission:

PreventionGenetics, part of Exact Sciences
Classification: Uncertain significance for FAN1-related condition. Last evaluated: 2023-04-28. Review status: criteria provided, single submitter. Criteria: ACMG Guidelines, 2015. Collection method: clinical testing. Allele origin: germline.
Comment: The FAN1 c.2155T>G variant is predicted to result in the amino acid substitution p.Leu719Val. To our knowledge, this variant has not been reported in the literature. This variant is reported in 0.0030% of alleles in individuals of Latino descent in gnomAD. At this time, the clinical significance of this variant is uncertain due to the absence of conclusive functional and genetic evidence.